The following is an entry in ClinVar:

NM_032119.4(ADGRV1):c.15419C>A (p.Thr5140Lys)

Gene: ADGRV1 (adhesion G protein-coupled receptor V1; plus strand). Cytogenetic location: 5q14.3.
Variant type: single nucleotide variant.
Coding change: c.15419C>A on transcript NM_032119.4 (MANE Select); coding-DNA position 15419, C replaced by A.
Protein change: p.Thr5140Lys; replaces threonine 5140 with lysine.
Molecular consequence: missense variant. On other transcripts: non-coding transcript variant (1).
Genome position (GRCh38, 1-based): chr5:90,810,679, C>A. VCF-style: chr5-90810679-C-A. GRCh37 (hg19) VCF-style: chr5-90106496-C-A.
Other names: short protein forms T5140K.
Identifiers: ClinVar variation 953379 (VCV000953379.8), dbSNP rs1392365265, ClinGen allele CA360409331.

ClinVar aggregate classification (germline): Uncertain significance (1 of 4 stars; one submission).

Allele frequency attached by ClinVar (database versions not stated): gnomAD exomes below 0.00001; TOPMed below 0.00001.
gnomAD v4.1: 2 of 1,613,920 alleles (0.00012%); highest among the groups gnomAD compares: Admixed American, 0.0017%; no homozygotes.

Submission:

Labcorp Genetics (formerly Invitae), Labcorp
Classification: Uncertain significance. Last evaluated: 2022-03-14. Review status: criteria provided, single submitter. Criteria: Invitae Variant Classification Sherloc (09022015). Collection method: clinical testing. Allele origin: germline.
Comment: In summary, the available evidence is currently insufficient to determine the role of this variant in disease. Therefore, it has been classified as a Variant of Uncertain Significance. Algorithms developed to predict the effect of missense changes on protein structure and function are either unavailable or do not agree on the potential impact of this missense change (SIFT: "Deleterious"; PolyPhen-2: "Possibly Damaging"; Align-GVGD: "Class C0"). ClinVar contains an entry for this variant (Variation ID: 953379). This variant has not been reported in the literature in individuals affected with ADGRV1-related conditions. This variant is present in population databases (no rsID available, gnomAD 0.003%). This sequence change replaces threonine, which is neutral and polar, with lysine, which is basic and polar, at codon 5140 of the ADGRV1 protein (p.Thr5140Lys).